The following is an entry in ClinVar:

NM_182961.4(SYNE1):c.4513G>T (p.Glu1505Ter)

Gene: SYNE1 (spectrin repeat containing nuclear envelope protein 1; minus strand). Cytogenetic location: 6q25.2.
Variant type: single nucleotide variant.
Coding change: c.4513G>T on transcript NM_182961.4 (MANE Select); coding-DNA position 4513, G replaced by T.
Protein change: p.Glu1505Ter; replaces glutamic acid 1505 with a stop codon.
Molecular consequence: nonsense.
Genome position (GRCh38, 1-based): chr6:152,430,658, C>A on the plus strand (G>T on the coding strand, the complement: SYNE1 is on the minus strand). VCF-style: chr6-152430658-C-A. GRCh37 (hg19) VCF-style: chr6-152751793-C-A.
Other names: c.4534G>T, p.Glu1512Ter (NM_033071.5); short protein forms E1505*, E1512*.
Identifiers: ClinVar variation 662396 (VCV000662396.6), dbSNP rs757744079, ClinGen allele CA4058535.

ClinVar aggregate classification (germline): Pathogenic (1 of 4 stars; one submission).

Conditions:
Emery-Dreifuss muscular dystrophy 4, autosomal dominant (EDMD4). Also called: EMERY-DREIFUSS MUSCULAR DYSTROPHY 4 WITH VARIABLE FEATURES. Identifiers: Orphanet 261, MedGen C2751807, MONDO:0013071, OMIM 612998.
Autosomal recessive ataxia, Beauce type. Also called: Spinocerebellar ataxia, autosomal recessive 8; ATAXIA, RECESSIVE, OF BEAUCE; SYNE1-Related Autosomal Recessive Cerebellar Ataxia; SYNE1 Deficiency. Identifiers: Orphanet 88644, MedGen C1853116, MONDO:0012549, OMIM 610743.

Allele frequency attached by ClinVar (database versions not stated): gnomAD exomes below 0.00001; ExAC 0.00001; TOPMed 0.00001.

Submission:

Labcorp Genetics (formerly Invitae), Labcorp
Classification: Pathogenic for Emery-Dreifuss muscular dystrophy 4, autosomal dominant; Autosomal recessive ataxia, Beauce type. Last evaluated: 2018-12-15. Review status: criteria provided, single submitter. Criteria: Invitae Variant Classification Sherloc (09022015). Collection method: clinical testing. Allele origin: germline.
Comment: This sequence change creates a premature translational stop signal (p.Glu1512*) in the SYNE1 gene. It is expected to result in an absent or disrupted protein product. This variant is present in population databases (rs757744079, ExAC 0.001%). This variant has not been reported in the literature in individuals with SYNE1-related conditions. Loss-of-function variants in SYNE1 are known to be pathogenic (PMID: 27086870). For these reasons, this variant has been classified as Pathogenic.

Literature cited by the submitters: PubMed 27086870.